The following is an entry in ClinVar:

NM_001349253.2(SCN11A):c.1134C>A (p.Phe378Leu)

Gene: SCN11A (sodium voltage-gated channel alpha subunit 11; minus strand). Cytogenetic location: 3p22.2.
Variant type: single nucleotide variant.
Coding change: c.1134C>A on transcript NM_001349253.2 (MANE Select); coding-DNA position 1134, C replaced by A.
Protein change: p.Phe378Leu; replaces phenylalanine 378 with leucine.
Molecular consequence: missense variant.
Genome position (GRCh38, 1-based): chr3:38,909,162, G>T on the plus strand (C>A on the coding strand, the complement: SCN11A is on the minus strand). VCF-style: chr3-38909162-G-T. GRCh37 (hg19) VCF-style: chr3-38950653-G-T.
Other names: c.1134C>A, p.Phe378Leu (NM_014139.3); short protein forms F378L.
Identifiers: ClinVar variation 1347458 (VCV001347458.8), dbSNP rs762078605, ClinGen allele CA2322385.

ClinVar aggregate classification (germline): Uncertain significance (1 of 4 stars; one submission).

Conditions:
Hereditary sensory and autonomic neuropathy type 7. Also called: HSAN VII; Neuropathy, hereditary sensory and autonomic, type VII. Identifiers: Orphanet 391397, MedGen C3809882, MONDO:0014244, OMIM 615548.
Familial episodic pain syndrome with predominantly lower limb involvement. Also called: Episodic pain syndrome, familial, 3. Identifiers: Orphanet 391384, Orphanet 391392, MedGen C3809899, MONDO:0014247, OMIM 615552.

Allele frequency attached by ClinVar (database versions not stated): gnomAD 0.00001; gnomAD exomes 0.00001; TOPMed 0.00001; ExAC 0.00002.
gnomAD v4.1: 17 of 1,613,986 alleles (0.0011%); highest among the groups gnomAD compares: Non-Finnish European, 0.0011%; no homozygotes.

Submission:

Labcorp Genetics (formerly Invitae), Labcorp
Classification: Uncertain significance for Familial episodic pain syndrome with predominantly lower limb involvement; Hereditary sensory and autonomic neuropathy type 7. Last evaluated: 2022-06-20. Review status: criteria provided, single submitter. Criteria: Invitae Variant Classification Sherloc (09022015). Collection method: clinical testing. Allele origin: germline.
Comment: This variant is present in population databases (rs762078605, gnomAD 0.003%). In summary, the available evidence is currently insufficient to determine the role of this variant in disease. Therefore, it has been classified as a Variant of Uncertain Significance. Algorithms developed to predict the effect of missense changes on protein structure and function output the following: SIFT: "Tolerated"; PolyPhen-2: "Benign"; Align-GVGD: "Class C0". The leucine amino acid residue is found in multiple mammalian species, which suggests that this missense change does not adversely affect protein function. This variant has not been reported in the literature in individuals affected with SCN11A-related conditions. This sequence change replaces phenylalanine, which is neutral and non-polar, with leucine, which is neutral and non-polar, at codon 378 of the SCN11A protein (p.Phe378Leu).